The following is an entry in ClinVar:

ClinVar aggregate classification (germline): Uncertain significance. Review status: criteria provided, multiple submitters, no conflicts (2 of 4 stars). 2 submissions from 2 submitters: Uncertain significance (2). Last evaluated 2024-12-27.

Conditions:
ZAP70-related disorder. Also called: ZAP70-related condition.
Combined immunodeficiency due to ZAP70 deficiency (IMD48). Also called: Immunodeficiency 48; ZAP70 Deficiency. Identifiers: Orphanet 911, MedGen C2931299, MONDO:0010023, OMIM 269840.

Allele frequency attached by ClinVar (database versions not stated): ExAC 0.00001; TOPMed 0.00002; gnomAD exomes 0.00001 and 0.00002; gnomAD 0.00003 and 0.00004.
gnomAD v4.1: 35 of 1,613,954 alleles (0.0022%); highest among the groups gnomAD compares: African/African-American, 0.0027%; no homozygotes.

Submissions (2):

PreventionGenetics, part of Exact Sciences
Classification: Uncertain significance for ZAP70-related condition. Last evaluated: 2024-12-27. Review status: criteria provided, single submitter. Criteria: ACMG Guidelines, 2015. Collection method: clinical testing. Allele origin: germline.
Comment: The ZAP70 c.1468G>A variant is predicted to result in the amino acid substitution p.Asp490Asn. To our knowledge, this variant has not been reported in the literature. This variant is reported in 0.0040% of alleles in individuals of African descent in gnomAD. At this time, the clinical significance of this variant is uncertain due to the absence of conclusive functional and genetic evidence.

Labcorp Genetics (formerly Invitae), Labcorp
Classification: Uncertain significance for Combined immunodeficiency due to ZAP70 deficiency. Last evaluated: 2022-10-18. Review status: criteria provided, single submitter. Criteria: Invitae Variant Classification Sherloc (09022015). Collection method: clinical testing. Allele origin: germline.
Comment: This sequence change replaces aspartic acid, which is acidic and polar, with asparagine, which is neutral and polar, at codon 490 of the ZAP70 protein (p.Asp490Asn). This variant is present in population databases (rs56059280, gnomAD 0.004%). This variant has not been reported in the literature in individuals affected with ZAP70-related conditions. ClinVar contains an entry for this variant (Variation ID: 662682). Algorithms developed to predict the effect of missense changes on protein structure and function are either unavailable or do not agree on the potential impact of this missense change (SIFT: "Not Available"; PolyPhen-2: "Probably Damaging"; Align-GVGD: "Not Available"). In summary, the available evidence is currently insufficient to determine the role of this variant in disease. Therefore, it has been classified as a Variant of Uncertain Significance.

NM_001079.4(ZAP70):c.1468G>A (p.Asp490Asn)

Gene: ZAP70 (zeta chain of T cell receptor associated protein kinase 70; plus strand). Cytogenetic location: 2q11.2.
Variant type: single nucleotide variant.
Coding change: c.1468G>A on transcript NM_001079.4 (MANE Select); coding-DNA position 1468, G replaced by A.
Protein change: p.Asp490Asn; replaces aspartic acid 490 with asparagine.
Molecular consequence: missense variant.
Genome position (GRCh38, 1-based): chr2:97,737,651, G>A. VCF-style: chr2-97737651-G-A. GRCh37 (hg19) VCF-style: chr2-98354114-G-A.
Other names: c.1468G>A, p.Asp490Asn (NM_001378594.1); c.547G>A, p.Asp183Asn (NM_207519.2); short protein forms D490N, D183N.
Identifiers: ClinVar variation 662682 (VCV000662682.5), dbSNP rs56059280, ClinGen allele CA1790464.